The following is an entry in ClinVar:

NM_024570.4(RNASEH2B):c.563G>A (p.Arg188Gln)

Gene: RNASEH2B (ribonuclease H2 subunit B; plus strand). Cytogenetic location: 13q14.3.
Variant type: single nucleotide variant.
Coding change: c.563G>A on transcript NM_024570.4 (MANE Select); coding-DNA position 563, G replaced by A.
Protein change: p.Arg188Gln; replaces arginine 188 with glutamine.
Molecular consequence: missense variant.
Genome position (GRCh38, 1-based): chr13:50,945,479, G>A. VCF-style: chr13-50945479-G-A. GRCh37 (hg19) VCF-style: chr13-51519615-G-A.
Other names: c.563G>A (NM_024570.3); c.563G>A, p.Arg188Gln (NM_001142279.2); short protein forms R188Q.
Identifiers: ClinVar variation 1018554 (VCV001018554.8), dbSNP rs138649673, ClinGen allele CA6985618.

ClinVar aggregate classification (germline): Uncertain significance. Review status: criteria provided, multiple submitters, no conflicts (2 of 4 stars). 3 submissions from 3 submitters: Uncertain significance (3). Last evaluated 2024-01-24.

Conditions:
Inborn genetic diseases. Identifiers: MedGen C0950123, MeSH D030342.
Aicardi-Goutieres syndrome 2. Identifiers: Orphanet 51, MedGen C3489724, MONDO:0012429, OMIM 610181.

Allele frequency attached by ClinVar (database versions not stated): gnomAD exomes 0.00004; ExAC 0.00006; gnomAD 0.00006 and 0.00009; ESP Exome Variant Server 0.00008; TOPMed 0.00008.

Submissions (3):

Labcorp Genetics (formerly Invitae), Labcorp
Classification: Uncertain significance for Aicardi-Goutieres syndrome 2. Last evaluated: 2024-01-24. Review status: criteria provided, single submitter. Criteria: Invitae Variant Classification Sherloc (09022015). Collection method: clinical testing. Allele origin: germline.
Comment: This sequence change replaces arginine, which is basic and polar, with glutamine, which is neutral and polar, at codon 188 of the RNASEH2B protein (p.Arg188Gln). This variant is present in population databases (rs138649673, gnomAD 0.01%). This variant has not been reported in the literature in individuals affected with RNASEH2B-related conditions. ClinVar contains an entry for this variant (Variation ID: 1018554). Advanced modeling of protein sequence and biophysical properties (such as structural, functional, and spatial information, amino acid conservation, physicochemical variation, residue mobility, and thermodynamic stability) has been performed at Invitae for this missense variant, however the output from this modeling did not meet the statistical confidence thresholds required to predict the impact of this variant on RNASEH2B protein function. In summary, the available evidence is currently insufficient to determine the role of this variant in disease. Therefore, it has been classified as a Variant of Uncertain Significance.

Blueprint Genetics
Classification: Uncertain significance. Last evaluated: 2023-05-09. Review status: criteria provided, single submitter. Criteria: ACMG Guidelines, 2015. Collection method: clinical testing. Allele origin: germline.

Ambry Genetics
Classification: Uncertain significance for Inborn genetic diseases. Last evaluated: 2022-05-11. Review status: criteria provided, single submitter. Criteria: Ambry Variant Classification Scheme 2023. Collection method: clinical testing. Allele origin: germline.